The following is an entry in ClinVar:

ClinVar aggregate classification (germline): Uncertain significance. Review status: criteria provided, multiple submitters, no conflicts (2 of 4 stars). 2 submissions from 2 submitters: Uncertain significance (2). Last evaluated 2026-05-26.

Conditions:
Inborn genetic diseases. Identifiers: MedGen C0950123, MeSH D030342.
Familial hemophagocytic lymphohistiocytosis 3 (FHL3). Also called: UNC13D-Related Familial Hemophagocytic Lymphohistiocytosis (UNC13D-fHLH). Identifiers: Orphanet 540, MedGen C1837174, MONDO:0012146, OMIM 608898.

gnomAD v4.1: 23 of 1,606,010 alleles (0.0014%); highest among the groups gnomAD compares: African/African-American, 0.0027%; no homozygotes.

Submissions (2):

Ambry Genetics
Classification: Uncertain significance for Inborn genetic diseases. Last evaluated: 2026-05-26. Review status: criteria provided, single submitter. Criteria: Ambry Variant Classification Scheme 2023. Collection method: clinical testing. Allele origin: germline.
Comment: The c.154C>T (p.R52W) alteration is located in exon 3 (coding exon 3) of the UNC13D gene. This alteration results from a C to T substitution at nucleotide position 154, causing the arginine (R) at amino acid position 52 to be replaced by a tryptophan (W). Based on data from gnomAD, the T allele has an overall frequency of 0.003% (9/275404) total alleles studied. The highest observed frequency was 0.008% (2/24724) of African alleles. Based on insufficient or conflicting evidence, the clinical significance of this alteration remains unclear.

Labcorp Genetics (formerly Invitae), Labcorp
Classification: Uncertain significance for Familial hemophagocytic lymphohistiocytosis 3. Last evaluated: 2022-01-14. Review status: criteria provided, single submitter. Criteria: Invitae Variant Classification Sherloc (09022015). Collection method: clinical testing. Allele origin: germline.
Comment: This sequence change replaces arginine, which is basic and polar, with tryptophan, which is neutral and slightly polar, at codon 52 of the UNC13D protein (p.Arg52Trp). This variant is present in population databases (no rsID available, gnomAD 0.008%). This variant has not been reported in the literature in individuals affected with UNC13D-related conditions. Algorithms developed to predict the effect of missense changes on protein structure and function are either unavailable or do not agree on the potential impact of this missense change (SIFT: "Not Available"; PolyPhen-2: "Possibly Damaging"; Align-GVGD: "Not Available"). In summary, the available evidence is currently insufficient to determine the role of this variant in disease. Therefore, it has been classified as a Variant of Uncertain Significance.

NM_199242.3(UNC13D):c.154C>T (p.Arg52Trp)

Gene: UNC13D (unc-13 homolog D; minus strand). Cytogenetic location: 17q25.1.
Variant type: single nucleotide variant.
Coding change: c.154C>T on transcript NM_199242.3 (MANE Select); coding-DNA position 154, C replaced by T.
Protein change: p.Arg52Trp; replaces arginine 52 with tryptophan.
Molecular consequence: missense variant.
Genome position (GRCh38, 1-based): chr17:75,843,266, G>A on the plus strand (C>T on the coding strand, the complement: UNC13D is on the minus strand). VCF-style: chr17-75843266-G-A. GRCh37 (hg19) VCF-style: chr17-73839347-G-A.
Other names: short protein forms R52W.
Identifiers: ClinVar variation 1956037 (VCV001956037.3), dbSNP rs930596937, ClinGen allele CA294090247.